The following is an entry in ClinVar:

NM_174936.4(PCSK9):c.1254C>A (p.Phe418Leu)

Gene: PCSK9 (proprotein convertase subtilisin/kexin type 9; plus strand). Cytogenetic location: 1p32.3.
Variant type: single nucleotide variant.
Coding change: c.1254C>A on transcript NM_174936.4 (MANE Select); coding-DNA position 1254, C replaced by A.
Protein change: p.Phe418Leu; replaces phenylalanine 418 with leucine.
Molecular consequence: missense variant.
Genome position (GRCh38, 1-based): chr1:55,058,109, C>A. VCF-style: chr1-55058109-C-A. GRCh37 (hg19) VCF-style: chr1-55523782-C-A.
Other names: c.1377C>A, p.Phe459Leu (NM_001407240.1); c.1254C>A, p.Phe418Leu (NM_001407241.1); c.1257C>A, p.Phe419Leu (NM_001407242.1); c.1197C>A, p.Phe399Leu (NM_001407243.1); c.1062C>A, p.Phe354Leu (NM_001407245.1); c.879C>A, p.Phe293Leu (NM_001407246.1); short protein forms F418L, F293L, F459L, F419L, F399L, F354L.
Identifiers: ClinVar variation 921624 (VCV000921624.5), dbSNP rs1378713223, ClinGen allele CA340477208.

ClinVar aggregate classification (germline): Uncertain significance (1 of 4 stars; one submission).

Conditions:
Familial hypercholesterolemia. Also called: Familial hypercholesterolaemia. Identifiers: MedGen C0020445, MONDO:0005439.

Submission:

Color Diagnostics, LLC DBA Color Health
Classification: Uncertain significance for Familial hypercholesterolemia. Last evaluated: 2024-03-07. Review status: criteria provided, single submitter. Criteria: ACMG Guidelines, 2015. Collection method: clinical testing. Allele origin: germline.
Comment: This missense variant replaces phenylalanine with leucine at codon 418 of the PCSK9 protein. Computational prediction suggests that this variant may not impact protein structure and function (internally defined REVEL score threshold <= 0.5, PMID: 27666373). To our knowledge, functional studies have not been reported for this variant. This variant has not been reported in individuals affected with familial hypercholesterolemia in the literature. This variant has not been identified in the general population by the Genome Aggregation Database (gnomAD). The available evidence is insufficient to determine the role of this variant in disease conclusively. Therefore, this variant is classified as a Variant of Uncertain Significance.